The following is an entry in ClinVar:

NM_001194.4(HCN2):c.1463C>T (p.Ser488Phe)

Gene: HCN2 (hyperpolarization activated cyclic nucleotide gated potassium and sodium channel 2; plus strand). Cytogenetic location: 19p13.3.
Variant type: single nucleotide variant.
Coding change: c.1463C>T on transcript NM_001194.4 (MANE Select); coding-DNA position 1463, C replaced by T.
Protein change: p.Ser488Phe; replaces serine 488 with phenylalanine.
Molecular consequence: missense variant.
Genome position (GRCh38, 1-based): chr19:610,284, C>T. VCF-style: chr19-610284-C-T. GRCh37 (hg19) VCF-style: chr19-610284-C-T.
Other names: short protein forms S488F.
Identifiers: ClinVar variation 4831974 (VCV004831974.1).

ClinVar aggregate classification (germline): Uncertain significance (1 of 4 stars; one submission).

Conditions:
Inborn genetic diseases. Identifiers: MedGen C0950123, MeSH D030342.

gnomAD v4.1: 2 of 1,613,460 alleles (0.00012%); highest among the groups gnomAD compares: Non-Finnish European, 0.00017%; no homozygotes.

Submission:

Ambry Genetics
Classification: Uncertain significance for Inborn genetic diseases. Last evaluated: 2026-01-05. Review status: criteria provided, single submitter. Criteria: Ambry Variant Classification Scheme 2023. Collection method: clinical testing. Allele origin: germline.
Comment: The c.1463C>T (p.S488F) alteration is located in exon 5 (coding exon 5) of the HCN2 gene. This alteration results from a C to T substitution at nucleotide position 1463, causing the serine (S) at amino acid position 488 to be replaced by a phenylalanine (F). Based on data from gnomAD, the T allele has an overall frequency of <0.001% (1/251260) total alleles studied. The highest observed frequency was 0.001% (1/113580) of European (non-Finnish) alleles. Based on insufficient or conflicting evidence, the clinical significance of this alteration remains unclear.